The following is an entry in ClinVar:

ClinVar aggregate classification (germline): Pathogenic. Review status: criteria provided, multiple submitters, no conflicts (2 of 4 stars). 4 submissions from 4 submitters: Pathogenic (4). Last evaluated 2025-08-20.

Conditions:
Osteogenesis imperfecta type I (OI1). Also called: OI, TYPE I; OSTEOGENESIS IMPERFECTA TARDA; OSTEOGENESIS IMPERFECTA WITH BLUE SCLERAE; Lobstein disease; Osteogenesis imperfecta type 1; Classic Non-deforming Osteogenesis Imperfecta with Blue Sclerae. Identifiers: Orphanet 216796, Orphanet 666, MedGen C0023931, MONDO:0008146, OMIM 166200. Disease mechanism: loss of function.

Submissions (4):

Dasa
Classification: Pathogenic. Last evaluated: 2025-08-20. Review status: criteria provided, single submitter. Criteria: DASA Assertion Criteria. Collection method: clinical testing. Allele origin: germline.
Comment: NM_000088.4(COL1A1):c.1121G>C (p.Gly374Ala) is a missense variant that results in the substitution of glycine with alanine. The affected residue or protein region has prior evidence supporting clinical relevance. This variant has been recurrently observed in individuals with COL1A1-related disorders (PMID: 27748872; PMID: 27509835; PMID: 24668929). Also, this variant is absent from population databases. Computational evidence supports a deleterious effect. Based on the currently available evidence, this variant is classified as pathogenic.

Clinical Biomedical Laboratory, Shriners Hospital For Children - Canada
Classification: Pathogenic for Osteogenesis imperfecta type I. Last evaluated: 2025-06-18. Review status: criteria provided, single submitter. Criteria: ACMG Guidelines, 2015. Collection method: clinical testing. Allele origin: germline. Affected: yes.
Comment: This variant is predicted to substitute a glycine residue by an alanine residue in the triple helical domain of the collagen type I alpha1 chain. Glycine substitutions in the triple helical domain of collagen type I cause disruption in the formation of the triple helix in the collagen molecule and are a typical cause of osteogenesis imperfecta. In the Genome Aggregation Database (gnomAD v2.1.1) this variant is not present. The variant is predicted to be deleterious to protein function (Revel 0.91). This variant has been published in the literature (PMID: 24668929).

Labcorp Genetics (formerly Invitae), Labcorp
Classification: Pathogenic for Osteogenesis imperfecta type I. Last evaluated: 2024-03-26. Review status: criteria provided, single submitter. Criteria: Invitae Variant Classification Sherloc (09022015). Collection method: clinical testing. Allele origin: germline.
Comment: This sequence change replaces glycine, which is neutral and non-polar, with alanine, which is neutral and non-polar, at codon 374 of the COL1A1 protein (p.Gly374Ala). This variant is not present in population databases (gnomAD no frequency). This missense change has been observed in individual(s) with osteogenesis imperfecta (PMID: 27509835, 27748872). ClinVar contains an entry for this variant (Variation ID: 447137). Advanced modeling of protein sequence and biophysical properties (such as structural, functional, and spatial information, amino acid conservation, physicochemical variation, residue mobility, and thermodynamic stability) performed at Invitae indicates that this missense variant is expected to disrupt COL1A1 protein function with a positive predictive value of 95%. This variant disrupts the triple helix domain of COL1A1. Glycine residues within the Gly-Xaa-Yaa repeats of the triple helix domain are required for the structure and stability of fibrillar collagens (PMID: 7695699, 8218237, 19344236). In COL1A1, variants affecting these glycine residues are significantly enriched in individuals with disease (PMID: 9016532, 17078022) compared to the general population (ExAC). For these reasons, this variant has been classified as Pathogenic.

Athena Diagnostics
Classification: Pathogenic. Last evaluated: 2016-09-27. Review status: criteria provided, single submitter. Criteria: Athena Diagnostics Criteria. Collection method: clinical testing. Allele origin: germline.

Literature cited by the submitters: PubMed 27748872 (cited by Dasa and Labcorp Genetics (formerly Invitae), Labcorp); PubMed 27509835 (cited by Dasa and Labcorp Genetics (formerly Invitae), Labcorp); PubMed 24668929 (cited by 3 submitters); PubMed 7695699 (cited by Labcorp Genetics (formerly Invitae), Labcorp); PubMed 8218237 (cited by Labcorp Genetics (formerly Invitae), Labcorp); PubMed 19344236 (cited by Labcorp Genetics (formerly Invitae), Labcorp); PubMed 9016532 (cited by Labcorp Genetics (formerly Invitae), Labcorp); PubMed 17078022 (cited by Labcorp Genetics (formerly Invitae), Labcorp).

NM_000088.4(COL1A1):c.1121G>C (p.Gly374Ala)

Gene: COL1A1 (collagen type I alpha 1 chain; minus strand). Cytogenetic location: 17q21.33.
Variant type: single nucleotide variant.
Coding change: c.1121G>C on transcript NM_000088.4 (MANE Select); coding-DNA position 1121, G replaced by C.
Protein change: p.Gly374Ala; replaces glycine 374 with alanine.
Molecular consequence: missense variant.
Genome position (GRCh38, 1-based): chr17:50,195,601, C>G on the plus strand (G>C on the coding strand, the complement: COL1A1 is on the minus strand). VCF-style: chr17-50195601-C-G. GRCh37 (hg19) VCF-style: chr17-48272962-C-G.
Other names: short protein forms G374A.
Identifiers: ClinVar variation 447137 (VCV000447137.7), dbSNP rs1555574143, ClinGen allele CA400219747.
Genomic context (GRCh38, chr17:50,195,601, plus strand): 5'-GGGGACACTGAGTCGGGGACACTTACAGCAGGGCCAGCAGCACCAGCAGGGCCAGGGGGG[C>G]CAGGCTCACCACGCACACCCTGGGGACCTTCAGAGCCTCGGGGCCCTTGGGGACCAGCTT-3'
Protein context (NP_000079.2, residues 364-384): EGPQGVRGEP[Gly374Ala]PPGPAGAAGP